The following is an entry in ClinVar:

ClinVar aggregate classification (germline): Uncertain significance. Review status: criteria provided, multiple submitters, no conflicts (2 of 4 stars). 2 submissions from 2 submitters: Uncertain significance (2). Last evaluated 2025-05-01.

Conditions:
Cardiovascular phenotype. Identifiers: MedGen CN230736.

Allele frequency attached by ClinVar (database versions not stated): gnomAD exomes 0.00001.
gnomAD v4.1: 3 of 1,599,476 alleles (0.00019%); highest among the groups gnomAD compares: Non-Finnish European, 0.00026%; no homozygotes.

Submissions (2):

CeGaT Center for Human Genetics Tuebingen
Classification: Uncertain significance. Last evaluated: 2025-05-01. Review status: criteria provided, single submitter. Criteria: CeGaT Center For Human Genetics Tuebingen Variant Classification Criteria Version 2. Collection method: clinical testing. Allele origin: germline. Affected: yes. Observed: 1 variant allele.

Ambry Genetics
Classification: Uncertain significance for Cardiovascular phenotype. Last evaluated: 2022-12-01. Review status: criteria provided, single submitter. Criteria: Ambry Variant Classification Scheme 2023. Collection method: clinical testing. Allele origin: germline.
Comment: The p.A1377T variant (also known as c.4129G>A), located in coding exon 6 of the ALPK3 gene, results from a G to A substitution at nucleotide position 4129. The alanine at codon 1377 is replaced by threonine, an amino acid with similar properties. This amino acid position is conserved. In addition, this alteration is predicted to be tolerated by in silico analysis. Since supporting evidence is limited at this time, the clinical significance of this alteration remains unclear.

NM_020778.5(ALPK3):c.3523G>A (p.Ala1175Thr)

Gene: ALPK3 (alpha kinase 3; plus strand). Cytogenetic location: 15q25.3.
Variant type: single nucleotide variant.
Coding change: c.3523G>A on transcript NM_020778.5 (MANE Select); coding-DNA position 3523, G replaced by A.
Protein change: p.Ala1175Thr; replaces alanine 1175 with threonine.
Molecular consequence: missense variant.
Genome position (GRCh38, 1-based): chr15:84,858,261, G>A. VCF-style: chr15-84858261-G-A. GRCh37 (hg19) VCF-style: chr15-85401492-G-A.
Other names: short protein forms A1175T.
Identifiers: ClinVar variation 2449092 (VCV002449092.12), dbSNP rs2505722195, ClinGen allele CA393360431.